The following is an entry in ClinVar:

ClinVar aggregate classification (germline): Uncertain significance (1 of 4 stars; one submission).

Conditions:
Episodic ataxia type 2 (EA2). Also called: ACETAZOLAMIDE-RESPONSIVE HEREDITARY PAROXYSMAL CEREBELLAR ATAXIA; ATAXIA, EPISODIC, WITH NYSTAGMUS; ATAXIA, FAMILIAL PAROXYSMAL; CEREBELLAR ATAXIA, PAROXYSMAL, ACETAZOLAMIDE-RESPONSIVE; CEREBELLOPATHY, HEREDITARY PAROXYSMAL; EPISODIC ATAXIA, NYSTAGMUS-ASSOCIATED. Identifiers: Orphanet 97, MedGen C1720416, MONDO:0007163, OMIM 108500.
Developmental and epileptic encephalopathy, 42 (DEE42A). Also called: Epileptic encephalopathy, early infantile, 42; DEVELOPMENTAL AND EPILEPTIC ENCEPHALOPATHY 42A; EPILEPTIC ENCEPHALOPATHY, EARLY INFANTILE, 42A. Identifiers: MedGen C4310716, MONDO:0014917, OMIM 617106.

Submission:

Labcorp Genetics (formerly Invitae), Labcorp
Classification: Uncertain significance for Developmental and epileptic encephalopathy, 42; Episodic ataxia type 2. Last evaluated: 2025-07-02. Review status: criteria provided, single submitter. Criteria: Invitae Variant Classification Sherloc (09022015). Collection method: clinical testing. Allele origin: germline.
Comment: This sequence change replaces methionine, which is neutral and non-polar, with isoleucine, which is neutral and non-polar, at codon 1991 of the CACNA1A protein (p.Met1991Ile). This variant is not present in population databases (gnomAD no frequency). This variant has not been reported in the literature in individuals affected with CACNA1A-related conditions. Invitae Evidence Modeling of protein sequence and biophysical properties (such as structural, functional, and spatial information, amino acid conservation, physicochemical variation, residue mobility, and thermodynamic stability) indicates that this missense variant is not expected to disrupt CACNA1A protein function with a negative predictive value of 95%. In summary, the available evidence is currently insufficient to determine the role of this variant in disease. Therefore, it has been classified as a Variant of Uncertain Significance.

NM_001127222.2(CACNA1A):c.5970G>A (p.Met1990Ile)

Gene: CACNA1A (calcium voltage-gated channel subunit alpha1 A; minus strand). Cytogenetic location: 19p13.13.
Variant type: single nucleotide variant.
Coding change: c.5970G>A on transcript NM_001127222.2 (MANE Select); coding-DNA position 5970, G replaced by A.
Protein change: p.Met1990Ile; replaces methionine 1990 with isoleucine.
Molecular consequence: missense variant.
Genome position (GRCh38, 1-based): chr19:13,212,711, C>T on the plus strand (G>A on the coding strand, the complement: CACNA1A is on the minus strand). VCF-style: chr19-13212711-C-T. GRCh37 (hg19) VCF-style: chr19-13323525-C-T.
Other names: c.5988G>A, p.Met1996Ile (NM_000068.4, NM_023035.3); c.5973G>A, p.Met1991Ile (NM_001127221.2); c.5979G>A, p.Met1993Ile (NM_001174080.2); short protein forms M1990I, M1991I, M1996I, M1993I.
Identifiers: ClinVar variation 4789711 (VCV004789711.1).